The following is an entry in ClinVar:

NC_000009.11:g.(140997260_141000150)_(141019072_?)dup

Gene: CACNA1B (calcium voltage-gated channel subunit alpha1 B; plus strand). Cytogenetic location: 9q34.3.
Variant type: Duplication.
Identifiers: ClinVar variation 3769232 (VCV003769232.2).

ClinVar aggregate classification (germline): Uncertain significance (1 of 4 stars; one submission).

Submission:

Women's Health and Genetics/Laboratory Corporation of America, LabCorp
Classification: Uncertain significance. Last evaluated: 2025-01-07. Review status: criteria provided, single submitter. Criteria: LabCorp Variant Classification Summary - May 2015. Collection method: clinical testing. Allele origin: germline.
Comment: Variant summary: The variant involves the duplication of exons 39-47 in the CACNA1B gene. A presumed nomenclature of c.(5319+1_5320-1)_(*2621_?)dup has been designated for the purposes of this classification. The exact breakpoint at the 3' end of this variant is unknown, therefore this duplication may extend downstream of the annotated region of the gene. As it duplicates the termination codon, its effect on the encoded protein is unknown. The variant was absent in 21142 control chromosomes. The available data on variant occurrences in the general population are insufficient to allow any conclusion about variant significance. To our knowledge, no occurrence of c.(5319+1_5320-1)_(*2621_?)dup in individuals affected with Neurodevelopmental Disorder With Seizures And Nonepileptic Hyperkinetic Movements and no experimental evidence demonstrating its impact on protein function have been reported. ClinVar contains an entry for this variant (Variation ID: 2423364). Based on the evidence outlined above, the variant was classified as uncertain significance.